The following is an entry in ClinVar:

NM_017433.5(MYO3A):c.2417-3C>T

Gene: MYO3A (myosin IIIA; plus strand). Cytogenetic location: 10p12.1.
Variant type: single nucleotide variant.
Coding change: c.2417-3C>T on transcript NM_017433.5 (MANE Select); 3 bases into the intron before coding-DNA position 2417, C replaced by T.
Molecular consequence: intron variant.
Genome position (GRCh38, 1-based): chr10:26,145,443, C>T. VCF-style: chr10-26145443-C-T. GRCh37 (hg19) VCF-style: chr10-26434372-C-T.
Identifiers: ClinVar variation 1314618 (VCV001314618.2), dbSNP rs2131857289, ClinGen allele CA2573053263.
Genomic context (GRCh38, chr10:26,145,443, plus strand): 5'-TTTCGCAGTATTTTTTGAGGATCTCATACATGCTTGATATTTGAGTTCAGTATTTTTCTA[C>T]AGAAAAATTTGAAGGTAACCTGAAATCACAATACTTCTGGAGACCCAAAAGAATGGAACT-3'

ClinVar aggregate classification (germline): Uncertain significance (1 of 4 stars; one submission).

Submission:

GeneDx
Classification: Uncertain significance. Last evaluated: 2021-04-08. Review status: criteria provided, single submitter. Criteria: GeneDx Variant Classification Process June 2021. Collection method: clinical testing. Allele origin: germline. Affected: yes.
Comment: Not observed in large population cohorts (Lek et al., 2016); In-silico analysis, which includes splice predictors and evolutionary conservation, is inconclusive as to whether the variant alters gene splicing. In the absence of RNA/functional studies, the actual effect of this sequence change is unknown.; Has not been previously published as pathogenic or benign to our knowledge